The following is an entry in ClinVar:

ClinVar aggregate classification (germline): Uncertain significance. Review status: criteria provided, multiple submitters, no conflicts (2 of 4 stars). 2 submissions from 2 submitters: Uncertain significance (2). Last evaluated 2026-01-06.

Conditions:
Hyperinsulinemic hypoglycemia, familial, 1 (HHF1). Also called: Persistent hyperinsulinemic hypoglycemia of infancy; HYPERINSULINISM, FAMILIAL, WITH PANCREATIC NESIDIOBLASTOSIS; HYPOGLYCEMIA, HYPERINSULINEMIC, OF INFANCY; NESIDIOBLASTOSIS OF PANCREAS; Persistent Hyperinsulinemia Hypoglycemia of Infancy. Identifiers: Orphanet 276575, Orphanet 276598, MedGen C2931832, MONDO:0009734, OMIM 256450.

Allele frequency attached by ClinVar (database versions not stated): gnomAD exomes below 0.00001; ExAC 0.00002.
gnomAD v4.1: 4 of 1,614,242 alleles (0.00025%); highest among the groups gnomAD compares: Non-Finnish European, 0.00034%; no homozygotes.

Submissions (2):

Myriad Genetics, Inc.
Classification: Uncertain significance for Hyperinsulinemic hypoglycemia, familial, 1. Last evaluated: 2026-01-06. Review status: criteria provided, single submitter. Criteria: Myriad Autosomal Dominant, Autosomal Recessive and X-Linked Classification Criteria (2023). Collection method: clinical testing. Allele origin: unknown.
Comment: NM_000352.3(ABCC8):c.3398A>G(Q1133R) is a missense variant classified as a variant of uncertain significance in the context of familial hyperinsulinism, ABCC8-related. Q1133R has been observed in a case with relevant disease (PMID: 31997554). Relevant functional assessments of this variant are not available in the literature. Q1133R has been observed in referenced population frequency databases. In summary, there is insufficient evidence to classify NM_000352.3(ABCC8):c.3398A>G(Q1133R) as pathogenic or benign. Please note: this variant was assessed in the context of healthy population screening.

Broad Center for Mendelian Genomics, Broad Institute of MIT and Harvard
Classification: Uncertain significance for Hyperinsulinemic hypoglycemia, familial, 1. Last evaluated: 2023-08-16. Review status: criteria provided, single submitter. Criteria: ACMG Guidelines, 2015. Collection method: curation. Allele origin: germline. Inheritance: Autosomal recessive inheritance.
Comment: The p.Gln1133Arg variant in ABCC8 has been previously reported in at least 1 individual, in the compound heterozygous state, with hyperinsulinemic hypoglycemia (PMID: 32027066, 31997554) and has been seen in 0.003% (2/113770) of European (non-Finnish) chromosomes by the Genome Aggregation Database (gnomAD; dbSNP: rs769065284). Although this variant has been seen in the general population in a heterozygous state, its frequency is low enough to be consistent with a recessive carrier frequency. Computational prediction tools and conservation analyses suggest that this variant may impact the protein, though this information is not predictive enough to determine pathogenicity. In summary, the clinical significance of the p.Gln1133Arg variant is uncertain. ACMG/AMP Criteria applied: PM3, PP3, PM2_supporting (Richards 2015).

Literature cited by the submitters: PubMed 31997554 (cited by Myriad Genetics, Inc.).

NM_000352.6(ABCC8):c.3398A>G (p.Gln1133Arg)

Gene: ABCC8 (ATP binding cassette subfamily C member 8; minus strand). Cytogenetic location: 11p15.1.
Variant type: single nucleotide variant.
Coding change: c.3398A>G on transcript NM_000352.6 (MANE Select); coding-DNA position 3398, A replaced by G.
Protein change: p.Gln1133Arg; replaces glutamine 1133 with arginine.
Molecular consequence: missense variant. On other transcripts: non-coding transcript variant (1).
Genome position (GRCh38, 1-based): chr11:17,405,495, T>C on the plus strand (A>G on the coding strand, the complement: ABCC8 is on the minus strand). VCF-style: chr11-17405495-T-C. GRCh37 (hg19) VCF-style: chr11-17427042-T-C.
Other names: NM_001287174.3:c.3401A>G; c.3401A>G, p.Gln1134Arg (NM_001287174.3); c.3464A>G, p.Gln1155Arg (NM_001351295.2); c.3398A>G, p.Gln1133Arg (NM_001351296.2); c.3395A>G, p.Gln1132Arg (NM_001351297.2); short protein forms Q1132R, Q1133R, Q1134R, Q1155R.
Identifiers: ClinVar variation 2576203 (VCV002576203.2), dbSNP rs769065284, ClinGen allele CA5902840.